The following is an entry in ClinVar:

ClinVar aggregate classification (germline): Uncertain significance (1 of 4 stars; one submission).

Allele frequency attached by ClinVar (database versions not stated): ESP Exome Variant Server 0.00008.
gnomAD v4.1: 33 of 1,613,936 alleles (0.002%); highest among the groups gnomAD compares: African/African-American, 0.013%; no homozygotes.

Submission:

Labcorp Genetics (formerly Invitae), Labcorp
Classification: Uncertain significance. Last evaluated: 2022-06-13. Review status: criteria provided, single submitter. Criteria: Invitae Variant Classification Sherloc (09022015). Collection method: clinical testing. Allele origin: germline.
Comment: Algorithms developed to predict the effect of missense changes on protein structure and function output the following: SIFT: "Deleterious"; PolyPhen-2: "Benign"; Align-GVGD: "Class C0". The methionine amino acid residue is found in multiple mammalian species, which suggests that this missense change does not adversely affect protein function. In summary, the available evidence is currently insufficient to determine the role of this variant in disease. Therefore, it has been classified as a Variant of Uncertain Significance. This variant has not been reported in the literature in individuals affected with C8B-related conditions. This variant is present in population databases (rs374321085, gnomAD 0.02%). This sequence change replaces threonine, which is neutral and polar, with methionine, which is neutral and non-polar, at codon 220 of the C8B protein (p.Thr220Met).

NM_000066.4(C8B):c.659C>T (p.Thr220Met)

Gene: C8B (complement C8 beta chain; minus strand). Cytogenetic location: 1p32.2.
Variant type: single nucleotide variant.
Coding change: c.659C>T on transcript NM_000066.4 (MANE Select); coding-DNA position 659, C replaced by T.
Protein change: p.Thr220Met; replaces threonine 220 with methionine.
Molecular consequence: missense variant.
Genome position (GRCh38, 1-based): chr1:56,952,055, G>A on the plus strand (C>T on the coding strand, the complement: C8B is on the minus strand). VCF-style: chr1-56952055-G-A. GRCh37 (hg19) VCF-style: chr1-57417728-G-A.
Other names: c.503C>T, p.Thr168Met (NM_001278543.2); c.473C>T, p.Thr158Met (NM_001278544.2); short protein forms T220M, T168M, T158M.
Identifiers: ClinVar variation 1497454 (VCV001497454.6), dbSNP rs374321085, ClinGen allele CA875908.